The following is an entry in ClinVar:

NM_004667.6(HERC2):c.2739C>G (p.Pro913=)

Gene: HERC2 (HECT and RLD domain containing E3 ubiquitin protein ligase 2; minus strand). Cytogenetic location: 15q13.1.
Variant type: single nucleotide variant.
Coding change: c.2739C>G on transcript NM_004667.6 (MANE Select); coding-DNA position 2739, C replaced by G.
Protein change: p.Pro913=; no amino-acid change (proline 913 retained).
Molecular consequence: synonymous variant.
Genome position (GRCh38, 1-based): chr15:28,256,096, G>C on the plus strand (C>G on the coding strand, the complement: HERC2 is on the minus strand). VCF-style: chr15-28256096-G-C. GRCh37 (hg19) VCF-style: chr15-28501242-G-C.
Identifiers: ClinVar variation 5041651 (VCV005041651.1).

ClinVar aggregate classification (germline): Likely benign (1 of 4 stars; one submission).

gnomAD v4.1: 3 of 1,603,628 alleles (0.00019%); highest among the groups gnomAD compares: South Asian, 0.0011%; no homozygotes.

Submission:

CeGaT Center for Human Genetics Tuebingen
Classification: Likely benign. Last evaluated: 2026-09-01. Review status: criteria provided, single submitter. Criteria: CeGaT Center For Human Genetics Tuebingen Variant Classification Criteria Version 2. Collection method: clinical testing. Allele origin: germline. Affected: yes. Observed: 1 variant allele.
Comment: HERC2: BP4, BP7